The following is an entry in ClinVar:

ClinVar aggregate classification (germline): Uncertain significance (1 of 4 stars; one submission).

Submission:

Labcorp Genetics (formerly Invitae), Labcorp
Classification: Uncertain significance. Last evaluated: 2022-07-12. Review status: criteria provided, single submitter. Criteria: Invitae Variant Classification Sherloc (09022015). Collection method: clinical testing. Allele origin: germline.
Comment: In summary, the available evidence is currently insufficient to determine the role of this variant in disease. Therefore, it has been classified as a Variant of Uncertain Significance. This sequence change replaces leucine, which is neutral and non-polar, with phenylalanine, which is neutral and non-polar, at codon 90 of the MIPEP protein (p.Leu90Phe). This variant is not present in population databases (gnomAD no frequency). This variant has not been reported in the literature in individuals affected with MIPEP-related conditions. Algorithms developed to predict the effect of missense changes on protein structure and function (SIFT, PolyPhen-2, Align-GVGD) all suggest that this variant is likely to be tolerated.

NM_005932.4(MIPEP):c.270G>C (p.Leu90Phe)

Gene: MIPEP (mitochondrial intermediate peptidase; minus strand). Cytogenetic location: 13q12.12.
Variant type: single nucleotide variant.
Coding change: c.270G>C on transcript NM_005932.4 (MANE Select); coding-DNA position 270, G replaced by C.
Protein change: p.Leu90Phe; replaces leucine 90 with phenylalanine.
Molecular consequence: missense variant.
Genome position (GRCh38, 1-based): chr13:23,886,426, C>G on the plus strand (G>C on the coding strand, the complement: MIPEP is on the minus strand). VCF-style: chr13-23886426-C-G. GRCh37 (hg19) VCF-style: chr13-24460565-C-G.
Other names: short protein forms L90F.
Identifiers: ClinVar variation 2038159 (VCV002038159.4), dbSNP rs2137544538, ClinGen allele CA387531418.